The following is an entry in ClinVar:

NM_014159.7(SETD2):c.293G>A (p.Ser98Asn)

Gene: SETD2 (SET domain containing 2, histone lysine methyltransferase; minus strand). Cytogenetic location: 3p21.31.
Variant type: single nucleotide variant.
Coding change: c.293G>A on transcript NM_014159.7 (MANE Select); coding-DNA position 293, G replaced by A.
Protein change: p.Ser98Asn; replaces serine 98 with asparagine.
Molecular consequence: missense variant. On other transcripts: non-coding transcript variant (1).
Genome position (GRCh38, 1-based): chr3:47,124,343, C>T on the plus strand (G>A on the coding strand, the complement: SETD2 is on the minus strand). VCF-style: chr3-47124343-C-T. GRCh37 (hg19) VCF-style: chr3-47165833-C-T.
Other names: c.161G>A, p.Ser54Asn (NM_001349370.3); short protein forms S54N, S98N.
Identifiers: ClinVar variation 4688338 (VCV004688338.1).

ClinVar aggregate classification (germline): Uncertain significance (1 of 4 stars; one submission).

Submission:

Women's Health and Genetics/Laboratory Corporation of America, LabCorp
Classification: Uncertain significance. Last evaluated: 2025-12-30. Review status: criteria provided, single submitter. Criteria: LabCorp Variant Classification Summary - May 2015. Collection method: clinical testing. Allele origin: germline.
Comment: Variant summary: SETD2 c.293G>A (p.Ser98Asn) results in a conservative amino acid change in the encoded protein sequence. Algorithms developed to predict the effect of missense changes on protein structure and function all suggest that this variant is likely to be tolerated. The variant was absent in 157526 control chromosomes. The available data on variant occurrences in the general population are insufficient to allow any conclusion about variant significance. To our knowledge, no occurrence of c.293G>A in individuals affected with SETD2-related conditions and no experimental evidence demonstrating its impact on protein function have been reported. No submitters have cited clinical-significance assessments for this variant to ClinVar. Based on the evidence outlined above, the variant was classified as uncertain significance.